The following is an entry in ClinVar:

NM_001408.3(CELSR2):c.6918C>A (p.Phe2306Leu)

Gene: CELSR2 (cadherin EGF LAG seven-pass G-type receptor 2; plus strand). Cytogenetic location: 1p13.3.
Variant type: single nucleotide variant.
Coding change: c.6918C>A on transcript NM_001408.3 (MANE Select); coding-DNA position 6918, C replaced by A.
Protein change: p.Phe2306Leu; replaces phenylalanine 2306 with leucine.
Molecular consequence: missense variant.
Genome position (GRCh38, 1-based): chr1:109,269,529, C>A. VCF-style: chr1-109269529-C-A. GRCh37 (hg19) VCF-style: chr1-109812151-C-A.
Other names: short protein forms F2306L.
Identifiers: ClinVar variation 2766191 (VCV002766191.3), dbSNP rs530902165, ClinGen allele CA341510794.

ClinVar aggregate classification (germline): Uncertain significance (1 of 4 stars; one submission).

Submission:

Labcorp Genetics (formerly Invitae), Labcorp
Classification: Uncertain significance. Last evaluated: 2023-11-09. Review status: criteria provided, single submitter. Criteria: Invitae Variant Classification Sherloc (09022015). Collection method: clinical testing. Allele origin: germline.
Comment: This sequence change replaces phenylalanine, which is neutral and non-polar, with leucine, which is neutral and non-polar, at codon 2306 of the CELSR2 protein (p.Phe2306Leu). This variant is not present in population databases (gnomAD no frequency). This variant has not been reported in the literature in individuals affected with CELSR2-related conditions. Advanced modeling of protein sequence and biophysical properties (such as structural, functional, and spatial information, amino acid conservation, physicochemical variation, residue mobility, and thermodynamic stability) performed at Invitae indicates that this missense variant is not expected to disrupt CELSR2 protein function with a negative predictive value of 80%. In summary, the available evidence is currently insufficient to determine the role of this variant in disease. Therefore, it has been classified as a Variant of Uncertain Significance.